The following is an entry in ClinVar:

ClinVar aggregate classification (germline): Uncertain significance. Review status: criteria provided, multiple submitters, no conflicts (2 of 4 stars). 2 submissions from 2 submitters: Uncertain significance (2). Last evaluated 2025-06-14.

Conditions:
Inborn genetic diseases. Identifiers: MedGen C0950123, MeSH D030342.
Fanconi anemia (FA). Also called: Fanconi's anemia. Identifiers: Orphanet 84, MedGen C0015625, MeSH D005199, MONDO:0019391.

Allele frequency attached by ClinVar (database versions not stated): gnomAD exomes below 0.00001.
gnomAD v4.1: 2 of 1,613,450 alleles (0.00012%); highest among the groups gnomAD compares: Non-Finnish European, 0.00017%; no homozygotes.

Submissions (2):

Ambry Genetics
Classification: Uncertain significance for Inborn genetic diseases. Last evaluated: 2025-06-14. Review status: criteria provided, single submitter. Criteria: Ambry Variant Classification Scheme 2023. Collection method: clinical testing. Allele origin: germline.
Comment: The p.S563F variant (also known as c.1688C>T), located in coding exon 10 of the FANCM gene, results from a C to T substitution at nucleotide position 1688. The serine at codon 563 is replaced by phenylalanine, an amino acid with highly dissimilar properties. This amino acid position is conserved. In addition, the in silico prediction for this alteration is inconclusive. Based on the available evidence, the clinical significance of this variant remains unclear.

Labcorp Genetics (formerly Invitae), Labcorp
Classification: Uncertain significance for Fanconi anemia. Last evaluated: 2019-07-06. Review status: criteria provided, single submitter. Criteria: Invitae Variant Classification Sherloc (09022015). Collection method: clinical testing. Allele origin: germline.
Comment: In summary, the available evidence is currently insufficient to determine the role of this variant in disease. Therefore, it has been classified as a Variant of Uncertain Significance. Algorithms developed to predict the effect of missense changes on protein structure and function are either unavailable or do not agree on the potential impact of this missense change (SIFT: "Deleterious"; PolyPhen-2: "Possibly Damaging"; Align-GVGD: "Class C0"). This variant has not been reported in the literature in individuals with FANCM-related conditions. This variant is not present in population databases (ExAC no frequency). This sequence change replaces serine with phenylalanine at codon 563 of the FANCM protein (p.Ser563Phe). The serine residue is weakly conserved and there is a large physicochemical difference between serine and phenylalanine.

NM_020937.4(FANCM):c.1688C>T (p.Ser563Phe)

Gene: FANCM (FA complementation group M; plus strand). Cytogenetic location: 14q21.2.
Variant type: single nucleotide variant.
Coding change: c.1688C>T on transcript NM_020937.4 (MANE Select); coding-DNA position 1688, C replaced by T.
Protein change: p.Ser563Phe; replaces serine 563 with phenylalanine.
Molecular consequence: missense variant.
Genome position (GRCh38, 1-based): chr14:45,164,465, C>T. VCF-style: chr14-45164465-C-T. GRCh37 (hg19) VCF-style: chr14-45633668-C-T.
Other names: c.1610C>T, p.Ser537Phe (NM_001308133.2); c.1688C>T, p.Ser563Phe (NM_001308134.2); short protein forms S537F, S563F.
Identifiers: ClinVar variation 950070 (VCV000950070.10), dbSNP rs1313731290, ClinGen allele CA389593872.